The following is an entry in ClinVar:

ClinVar aggregate classification (germline): Uncertain significance (1 of 4 stars; one submission).

Conditions:
Nephronophthisis 15 (NPHP15). Identifiers: Orphanet 3156, MedGen C3541853, MONDO:0013917, OMIM 614845.

Allele frequency attached by ClinVar (database versions not stated): gnomAD exomes below 0.00001; ExAC 0.00001.
gnomAD v4.1: 2 of 1,613,864 alleles (0.00012%); highest among the groups gnomAD compares: South Asian, 0.0022%; no homozygotes.

Submission:

Labcorp Genetics (formerly Invitae), Labcorp
Classification: Uncertain significance for Nephronophthisis 15. Last evaluated: 2022-07-19. Review status: criteria provided, single submitter. Criteria: Invitae Variant Classification Sherloc (09022015). Collection method: clinical testing. Allele origin: germline.
Comment: In summary, the available evidence is currently insufficient to determine the role of this variant in disease. Therefore, it has been classified as a Variant of Uncertain Significance. Algorithms developed to predict the effect of missense changes on protein structure and function are either unavailable or do not agree on the potential impact of this missense change (SIFT: "Deleterious"; PolyPhen-2: "Possibly Damaging"; Align-GVGD: "Class C0"). ClinVar contains an entry for this variant (Variation ID: 859018). This variant has not been reported in the literature in individuals affected with CEP164-related conditions. This variant is present in population databases (rs776074093, gnomAD 0.003%). This sequence change replaces glutamine, which is neutral and polar, with proline, which is neutral and non-polar, at codon 676 of the CEP164 protein (p.Gln676Pro).

NM_014956.5(CEP164):c.2027A>C (p.Gln676Pro)

Gene: CEP164 (centrosomal protein 164; plus strand). Cytogenetic location: 11q23.3.
Variant type: single nucleotide variant.
Coding change: c.2027A>C on transcript NM_014956.5 (MANE Select); coding-DNA position 2027, A replaced by C.
Protein change: p.Gln676Pro; replaces glutamine 676 with proline.
Molecular consequence: missense variant.
Genome position (GRCh38, 1-based): chr11:117,390,869, A>C. VCF-style: chr11-117390869-A-C. GRCh37 (hg19) VCF-style: chr11-117261585-A-C.
Other names: c.2036A>C, p.Gln679Pro (NM_001271933.2); short protein forms Q676P, Q679P.
Identifiers: ClinVar variation 859018 (VCV000859018.11), dbSNP rs776074093, ClinGen allele CA6294929.